The following is an entry in ClinVar:

NM_000690.4(ALDH2):c.1467G>A (p.Gly489=)

Gene: ALDH2 (aldehyde dehydrogenase 2 family member; plus strand). Cytogenetic location: 12q24.12.
Variant type: single nucleotide variant.
Coding change: c.1467G>A on transcript NM_000690.4 (MANE Select); coding-DNA position 1467, G replaced by A.
Protein change: p.Gly489=; no amino-acid change (glycine 489 retained).
Molecular consequence: synonymous variant.
Genome position (GRCh38, 1-based): chr12:111,803,919, G>A. VCF-style: chr12-111803919-G-A. GRCh37 (hg19) VCF-style: chr12-112241723-G-A.
Other names: c.1326G>A, p.Gly442= (NM_001204889.2).
Identifiers: ClinVar variation 4874209 (VCV004874209.2).

ClinVar aggregate classification (germline): Likely benign (1 of 4 stars; one submission).

Submission:

CeGaT Center for Human Genetics Tuebingen
Classification: Likely benign. Last evaluated: 2026-04-01. Review status: criteria provided, single submitter. Criteria: CeGaT Center For Human Genetics Tuebingen Variant Classification Criteria Version 2. Collection method: clinical testing. Allele origin: germline. Affected: yes. Observed: 1 variant allele.
Comment: ALDH2: PM2:Supporting, BP4, BP7